The following is an entry in ClinVar:

ClinVar aggregate classification (germline): Conflicting classifications of pathogenicity. Review status: criteria provided, conflicting classifications (1 of 4 stars). 4 submissions from 4 submitters: Uncertain significance (1); Likely benign (2). 1 of the submissions does not count toward it. Last evaluated 2025-11-06.

Conditions:
CREBBP-related disorder. Also called: CREBBP-related disorders; CREBBP-related condition.
Rubinstein-Taybi syndrome (RSTS). Identifiers: Orphanet 783, MedGen C0035934, MONDO:0019188.

Allele frequency attached by ClinVar (database versions not stated): gnomAD 0.00001; TOPMed 0.00001; gnomAD exomes 0.00002.
gnomAD v4.1: 36 of 1,614,090 alleles (0.0022%); highest among the groups gnomAD compares: Non-Finnish European, 0.003%; no homozygotes.

Submissions (4):

Women's Health and Genetics/Laboratory Corporation of America, LabCorp
Classification: Likely benign. Last evaluated: 2025-11-06. Review status: criteria provided, single submitter. Criteria: LabCorp Variant Classification Summary - May 2015. Collection method: clinical testing. Allele origin: germline.

Labcorp Genetics (formerly Invitae), Labcorp
Classification: Likely benign for Rubinstein-Taybi syndrome. Last evaluated: 2023-11-27. Review status: criteria provided, single submitter. Criteria: Invitae Variant Classification Sherloc (09022015). Collection method: clinical testing. Allele origin: germline.

Eurofins Ntd Llc (ga)
Classification: Uncertain significance. Last evaluated: 2018-08-13. Review status: criteria provided, single submitter. Criteria: EGL ClinVar v180209 classification definitions. Collection method: clinical testing. Allele origin: germline. Observed: 1 variant allele, 1 heterozygote.

PreventionGenetics, part of Exact Sciences
Classification: Likely benign for CREBBP-related condition. Last evaluated: 2022-03-04. Review status: no assertion criteria provided. Collection method: clinical testing. Allele origin: germline. Not counted in ClinVar's aggregate classification.
Comment: This variant is classified as likely benign based on ACMG/AMP sequence variant interpretation guidelines (Richards et al. 2015 PMID: 25741868, with internal and published modifications).

NM_004380.3(CREBBP):c.2943A>G (p.Ala981=)

Gene: CREBBP (CREB binding lysine acetyltransferase; minus strand). Cytogenetic location: 16p13.3.
Variant type: single nucleotide variant.
Coding change: c.2943A>G on transcript NM_004380.3 (MANE Select); coding-DNA position 2943, A replaced by G.
Protein change: p.Ala981=; no amino-acid change (alanine 981 retained).
Molecular consequence: synonymous variant.
Genome position (GRCh38, 1-based): chr16:3,769,291, T>C on the plus strand (A>G on the coding strand, the complement: CREBBP is on the minus strand). VCF-style: chr16-3769291-T-C. GRCh37 (hg19) VCF-style: chr16-3819292-T-C.
Other names: c.2943A>G (NM_004380.2); c.2829A>G, p.Ala943= (NM_001079846.1).
Identifiers: ClinVar variation 598160 (VCV000598160.11), dbSNP rs1053049323, ClinGen allele CA276968333.
Genomic context (GRCh38, chr16:3,769,291, plus strand): 5'-GGTCTCCGTCTTCATTTCCAGCACAGGTACGTCAGGTCCTGGCTGCTGGGAATTGGTTTC[T>C]GCGCTGGCCACCGAGGAGGGGGTAGGGACTCTGTTATCAATGCTGGCTGCTGCCTGGGAA-3'
Protein context (NP_004371.2, residues 971-991): RVPTPSSVAS[Ala981=]ETNSQQPGPD